The following is an entry in ClinVar:

ClinVar aggregate classification (germline): Conflicting classifications of pathogenicity. Review status: criteria provided, conflicting classifications (1 of 4 stars). 2 submissions from 2 submitters: Uncertain significance (1); Likely benign (1). Last evaluated 2025-01-08.

Conditions:
Developmental and epileptic encephalopathy, 30 (DEE30). Also called: Epileptic encephalopathy, early infantile, 30. Identifiers: MedGen C4225360, MONDO:0014595, OMIM 616341.

Allele frequency attached by ClinVar (database versions not stated): gnomAD exomes 0.00007; ExAC 0.00010; 1000 Genomes Project 0.00020.

Submissions (2):

Labcorp Genetics (formerly Invitae), Labcorp
Classification: Uncertain significance for Developmental and epileptic encephalopathy, 30. Last evaluated: 2025-01-08. Review status: criteria provided, single submitter. Criteria: Invitae Variant Classification Sherloc (09022015). Collection method: clinical testing. Allele origin: germline.
Comment: This sequence change replaces glutamic acid, which is acidic and polar, with glutamine, which is neutral and polar, at codon 30 of the SIK1 protein (p.Glu30Gln). This variant is present in population databases (rs200616322, gnomAD 0.01%). This variant has not been reported in the literature in individuals affected with SIK1-related conditions. ClinVar contains an entry for this variant (Variation ID: 956449). Invitae Evidence Modeling of protein sequence and biophysical properties (such as structural, functional, and spatial information, amino acid conservation, physicochemical variation, residue mobility, and thermodynamic stability) indicates that this missense variant is not expected to disrupt SIK1 protein function with a negative predictive value of 95%. In summary, the available evidence is currently insufficient to determine the role of this variant in disease. Therefore, it has been classified as a Variant of Uncertain Significance.

Blueprint Genetics
Classification: Likely benign. Last evaluated: 2023-10-03. Review status: criteria provided, single submitter. Criteria: ACMG Guidelines, 2015. Collection method: clinical testing. Allele origin: germline.

NM_173354.5(SIK1):c.88G>C (p.Glu30Gln)

Gene: SIK1 (salt inducible kinase 1; minus strand). Cytogenetic location: 21q22.3.
Variant type: single nucleotide variant.
Coding change: c.88G>C on transcript NM_173354.5 (MANE Select); coding-DNA position 88, G replaced by C.
Protein change: p.Glu30Gln; replaces glutamic acid 30 with glutamine.
Molecular consequence: missense variant.
Genome position (GRCh38, 1-based): chr21:43,426,091, C>G on the plus strand (G>C on the coding strand, the complement: SIK1 is on the minus strand). VCF-style: chr21-43426091-C-G. GRCh37 (hg19) VCF-style: chr21-44845971-C-G.
Other names: short protein forms E30Q.
Identifiers: ClinVar variation 956449 (VCV000956449.9), dbSNP rs200616322, ClinGen allele CA321330035.